The following is an entry in ClinVar:

ClinVar aggregate classification (germline): Likely benign. Review status: criteria provided, multiple submitters, no conflicts (2 of 4 stars). 2 submissions from 2 submitters: Likely benign (2). Last evaluated 2025-11-25.

Conditions:
Pyogenic arthritis-pyoderma gangrenosum-acne syndrome (PAPA). Also called: PAPA SYNDROME; FAMILIAL RECURRENT ARTHRITIS. Identifiers: Orphanet 69126, MedGen C1858361, MONDO:0011462, OMIM 604416.

Allele frequency attached by ClinVar (database versions not stated): ExAC 0.00001; gnomAD 0.00001; gnomAD exomes 0.00001 and 0.00002; TOPMed 0.00002.
gnomAD v4.1: 13 of 1,612,290 alleles (0.00081%); highest among the groups gnomAD compares: Admixed American, 0.0067%; no homozygotes.

Submissions (2):

Labcorp Genetics (formerly Invitae), Labcorp
Classification: Likely benign for Pyogenic arthritis-pyoderma gangrenosum-acne syndrome. Last evaluated: 2025-11-25. Review status: criteria provided, single submitter. Criteria: Invitae Variant Classification Sherloc (09022015). Collection method: clinical testing. Allele origin: germline.

GeneDx
Classification: Likely benign. Last evaluated: 2016-04-29. Review status: criteria provided, single submitter. Criteria: GeneDx Variant Classification (06012015). Collection method: clinical testing. Allele origin: germline. Affected: yes.
Comment: This variant is considered likely benign or benign based on one or more of the following criteria: it is a conservative change, it occurs at a poorly conserved position in the protein, it is predicted to be benign by multiple in silico algorithms, and/or has population frequency not consistent with disease.

NM_003978.5(PSTPIP1):c.838+10G>A

Gene: PSTPIP1 (proline-serine-threonine phosphatase interacting protein 1; plus strand). Cytogenetic location: 15q24.3.
Variant type: single nucleotide variant.
Coding change: c.838+10G>A on transcript NM_003978.5 (MANE Select); 10 bases into the intron after coding-DNA position 838, G replaced by A.
Molecular consequence: intron variant. On other transcripts: missense variant (1).
Genome position (GRCh38, 1-based): chr15:77,032,404, G>A. VCF-style: chr15-77032404-G-A. GRCh37 (hg19) VCF-style: chr15-77324745-G-A.
Other names: c.838+10G>A (LRG_172t1); c.848G>A, p.Arg283Gln (NM_001321135.2); c.1033+10G>A (NM_001321137.1); c.811+10G>A (NM_001321136.2); short protein forms R283Q.
Identifiers: ClinVar variation 385762 (VCV000385762.10), dbSNP rs747042572, ClinGen allele CA7676001.